The following is an entry in ClinVar:

ClinVar aggregate classification (germline): Likely pathogenic (1 of 4 stars; one submission).

Submission:

Labcorp Genetics (formerly Invitae), Labcorp
Classification: Likely pathogenic. Last evaluated: 2021-12-12. Review status: criteria provided, single submitter. Criteria: Invitae Variant Classification Sherloc (09022015). Collection method: clinical testing. Allele origin: germline.
Comment: This sequence change affects a donor splice site in intron 1 of the COL27A1 gene. It is expected to disrupt RNA splicing. Variants that disrupt the donor or acceptor splice site typically lead to a loss of protein function (PMID: 16199547), and loss-of-function variants in COL27A1 are known to be pathogenic (PMID: 24986830, 28276056). In summary, the currently available evidence indicates that the variant is pathogenic, but additional data are needed to prove that conclusively. Therefore, this variant has been classified as Likely Pathogenic. Algorithms developed to predict the effect of sequence changes on RNA splicing suggest that this variant may disrupt the consensus splice site. This variant has not been reported in the literature in individuals affected with COL27A1-related conditions. This variant is not present in population databases (gnomAD no frequency).

Literature cited by the submitters: PubMed 16199547; PubMed 24986830; PubMed 28276056.

NM_032888.4(COL27A1):c.62+1G>C

Gene: COL27A1 (collagen type XXVII alpha 1 chain; plus strand). Cytogenetic location: 9q32.
Variant type: single nucleotide variant.
Coding change: c.62+1G>C on transcript NM_032888.4 (MANE Select); the canonical splice donor site of the intron after coding-DNA position 62, G replaced by C.
Molecular consequence: splice donor variant.
Genome position (GRCh38, 1-based): chr9:114,156,013, G>C. VCF-style: chr9-114156013-G-C. GRCh37 (hg19) VCF-style: chr9-116918293-G-C.
Identifiers: ClinVar variation 1509641 (VCV001509641.6), dbSNP rs1848097390, ClinGen allele CA374586844.